The following is an entry in ClinVar:

ClinVar aggregate classification (germline): Uncertain significance (1 of 4 stars; one submission).

gnomAD v4.1: 2 of 1,613,944 alleles (0.00012%); highest among the groups gnomAD compares: South Asian, 0.0022%; no homozygotes.

Submission:

Labcorp Genetics (formerly Invitae), Labcorp
Classification: Uncertain significance. Last evaluated: 2021-12-29. Review status: criteria provided, single submitter. Criteria: Invitae Variant Classification Sherloc (09022015). Collection method: clinical testing. Allele origin: germline.
Comment: This sequence change replaces proline, which is neutral and non-polar, with glutamine, which is neutral and polar, at codon 4735 of the USH2A protein (p.Pro4735Gln). This variant is not present in population databases (gnomAD no frequency). In summary, the available evidence is currently insufficient to determine the role of this variant in disease. Therefore, it has been classified as a Variant of Uncertain Significance. This variant disrupts the p.Pro4735 amino acid residue in USH2A. Other variant(s) that disrupt this residue have been observed in individuals with USH2A-related conditions (PMID: 27460420, 33576794; Invitae), which suggests that this may be a clinically significant amino acid residue. Algorithms developed to predict the effect of missense changes on protein structure and function are either unavailable or do not agree on the potential impact of this missense change (SIFT: "Deleterious"; PolyPhen-2: "Probably Damaging"; Align-GVGD: "Class C0"). This variant has not been reported in the literature in individuals affected with USH2A-related conditions.

Literature cited by the submitters: PubMed 27460420; PubMed 33576794.

NM_206933.4(USH2A):c.14204C>A (p.Pro4735Gln)

Gene: USH2A (usherin; minus strand). Cytogenetic location: 1q41.
Variant type: single nucleotide variant.
Coding change: c.14204C>A on transcript NM_206933.4 (MANE Select); coding-DNA position 14204, C replaced by A.
Protein change: p.Pro4735Gln; replaces proline 4735 with glutamine.
Molecular consequence: missense variant.
Genome position (GRCh38, 1-based): chr1:215,650,731, G>T on the plus strand (C>A on the coding strand, the complement: USH2A is on the minus strand). VCF-style: chr1-215650731-G-T. GRCh37 (hg19) VCF-style: chr1-215824073-G-T.
Other names: short protein forms P4735Q.
Identifiers: ClinVar variation 2064965 (VCV002064965.4), dbSNP rs1333608275, ClinGen allele CA344835766.